The following is an entry in ClinVar:

NM_130837.3(OPA1):c.641C>G (p.Thr214Arg)

Genes: OPA1-AS1 (OPA1 antisense RNA 1; minus strand), OPA1 (OPA1 mitochondrial dynamin like GTPase; plus strand). Cytogenetic location: 3q29.
Variant type: single nucleotide variant.
Coding change: c.641C>G on transcript NM_130837.3 (MANE Select); coding-DNA position 641, C replaced by G.
Protein change: p.Thr214Arg; replaces threonine 214 with arginine.
Molecular consequence: missense variant. On other transcripts: non-coding transcript variant (1).
Genome position (GRCh38, 1-based): chr3:193,618,899, C>G. VCF-style: chr3-193618899-C-G. GRCh37 (hg19) VCF-style: chr3-193336688-C-G.
Other names: c.107C>G, p.Thr36Arg (NM_001354663.2); c.215C>G, p.Thr72Arg (NM_001354664.2); c.587C>G, p.Thr196Arg (NM_015560.3, NM_130836.3); c.479C>G, p.Thr160Arg (NM_130831.3, NM_130833.3); c.533C>G, p.Thr178Arg (NM_130832.3, NM_130835.3); c.641C>G, p.Thr214Arg (NM_130834.3); short protein forms T214R, T36R, T196R, T72R, T178R, T160R.
Identifiers: ClinVar variation 1439923 (VCV001439923.6), dbSNP rs1198238586, ClinGen allele CA355788238.

ClinVar aggregate classification (germline): Uncertain significance (1 of 4 stars; one submission).

Submission:

Labcorp Genetics (formerly Invitae), Labcorp
Classification: Uncertain significance. Last evaluated: 2022-06-27. Review status: criteria provided, single submitter. Criteria: Invitae Variant Classification Sherloc (09022015). Collection method: clinical testing. Allele origin: germline.
Comment: In summary, the available evidence is currently insufficient to determine the role of this variant in disease. Therefore, it has been classified as a Variant of Uncertain Significance. This sequence change replaces threonine, which is neutral and polar, with arginine, which is basic and polar, at codon 196 of the OPA1 protein (p.Thr196Arg). This variant is not present in population databases (gnomAD no frequency). This variant has not been reported in the literature in individuals affected with OPA1-related conditions. Advanced modeling of protein sequence and biophysical properties (such as structural, functional, and spatial information, amino acid conservation, physicochemical variation, residue mobility, and thermodynamic stability) performed at Invitae indicates that this missense variant is not expected to disrupt OPA1 protein function.